The following is an entry in ClinVar:

NM_000257.4(MYH7):c.5284-3C>T

Genes: MYH7 (myosin heavy chain 7; minus strand), LOC126861897 (BRD4-independent group 4 enhancer GRCh37_chr14:23884455-23885654; plus strand). Cytogenetic location: 14q11.2.
Variant type: single nucleotide variant.
Coding change: c.5284-3C>T on transcript NM_000257.4 (MANE Select); 3 bases into the intron before coding-DNA position 5284, C replaced by T.
Molecular consequence: intron variant.
Genome position (GRCh38, 1-based): chr14:23,415,273, G>A on the plus strand (C>T on the coding strand, the complement: MYH7 is on the minus strand). VCF-style: chr14-23415273-G-A. GRCh37 (hg19) VCF-style: chr14-23884482-G-A.
Identifiers: ClinVar variation 651862 (VCV000651862.8), dbSNP rs759821521, ClinGen allele CA046042.

ClinVar aggregate classification (germline): Conflicting classifications of pathogenicity. Review status: criteria provided, conflicting classifications (1 of 4 stars). 3 submissions from 3 submitters: Uncertain significance (2); Likely benign (1). Last evaluated 2025-08-07.

Conditions:
Cardiomyopathy (CMYO). Also called: Cardiomyopathies. Identifiers: Orphanet 167848, MedGen C0878544, MONDO:0004994, HP:0001638. Inheritance: Various modes of inheritance.
MYH7-related disorder. Also called: MYH7-related condition; MYH7-related disease; MYH7-related disorders.
Hypertrophic cardiomyopathy. Also called: HYPERTROPHIC MYOCARDIOPATHY. Identifiers: Orphanet 217569, MedGen C0007194, MeSH D002312, MONDO:0005045, HP:0001639.

Allele frequency attached by ClinVar (database versions not stated): ExAC 0.00001; gnomAD exomes 0.00001; TOPMed 0.00001.
gnomAD v4.1: 4 of 1,614,262 alleles (0.00025%); highest among the groups gnomAD compares: Admixed American, 0.005%; no homozygotes.

Submissions (3):

PreventionGenetics, part of Exact Sciences
Classification: Likely benign for MYH7-related condition. Last evaluated: 2025-08-07. Review status: criteria provided, single submitter. Criteria: ACMG Guidelines, 2015. Collection method: clinical testing. Allele origin: germline.
Comment: This variant is classified as likely benign based on ACMG/AMP sequence variant interpretation guidelines (Richards et al. 2015 PMID: 25741868, with internal and published modifications).

All of Us Research Program, National Institutes of Health
Classification: Uncertain significance for Cardiomyopathy. Last evaluated: 2023-06-26. Review status: criteria provided, single submitter. Criteria: ACMG Guidelines, 2015. Collection method: clinical testing. Allele origin: germline. Inheritance: Autosomal dominant inheritance. Observed: 3 variant alleles, 3 heterozygotes.
Comment: This variant causes a C to T nucleotide substitution at the -3 position of intron 36 of the MYH7 gene. To our knowledge, functional studies have not been reported for this variant. This variant has not been reported in individuals affected with MYH7-related disorders in the literature. This variant has been identified in 2/251488 chromosomes in the general population by the Genome Aggregation Database (gnomAD). The available evidence is insufficient to determine the role of this variant in disease conclusively. Therefore, this variant is classified as a Variant of Uncertain Significance.

This study involves interpretation of variants in research participants for the purpose of population health screening. Participant phenotype was not available at the time of variant classification. Additional details can be found in publication PMID: 35346344, PMCID: PMC8962531

Labcorp Genetics (formerly Invitae), Labcorp
Classification: Uncertain significance for Hypertrophic cardiomyopathy. Last evaluated: 2022-10-17. Review status: criteria provided, single submitter. Criteria: Invitae Variant Classification Sherloc (09022015). Collection method: clinical testing. Allele origin: germline.
Comment: This sequence change falls in intron 36 of the MYH7 gene. It does not directly change the encoded amino acid sequence of the MYH7 protein. It affects a nucleotide within the consensus splice site. This variant is present in population databases (rs759821521, gnomAD 0.006%). This variant has not been reported in the literature in individuals affected with MYH7-related conditions. ClinVar contains an entry for this variant (Variation ID: 651862). Variants that disrupt the consensus splice site are a relatively common cause of aberrant splicing (PMID: 17576681, 9536098). Algorithms developed to predict the effect of sequence changes on RNA splicing suggest that this variant is not likely to affect RNA splicing. In summary, the available evidence is currently insufficient to determine the role of this variant in disease. Therefore, it has been classified as a Variant of Uncertain Significance.

Literature cited by the submitters: PubMed 17576681 (cited by Labcorp Genetics (formerly Invitae), Labcorp); PubMed 9536098 (cited by Labcorp Genetics (formerly Invitae), Labcorp).